The following is an entry in ClinVar:

NM_000702.4(ATP1A2):c.3004C>G (p.Arg1002Gly)

Gene: ATP1A2 (ATPase Na+/K+ transporting subunit alpha 2; plus strand). Cytogenetic location: 1q23.2.
Variant type: single nucleotide variant.
Coding change: c.3004C>G on transcript NM_000702.4 (MANE Select); coding-DNA position 3004, C replaced by G.
Protein change: p.Arg1002Gly; replaces arginine 1002 with glycine.
Molecular consequence: missense variant.
Genome position (GRCh38, 1-based): chr1:160,139,954, C>G. VCF-style: chr1-160139954-C-G. GRCh37 (hg19) VCF-style: chr1-160109744-C-G.
Other names: short protein forms R1002G.
Identifiers: ClinVar variation 1798726 (VCV001798726.4), dbSNP rs1480634394, ClinGen allele CA343256522.

ClinVar aggregate classification (germline): Uncertain significance. Review status: criteria provided, multiple submitters, no conflicts (2 of 4 stars). 3 submissions from 3 submitters: Uncertain significance (3). Last evaluated 2025-09-01.

Conditions:
Familial hemiplegic migraine. Identifiers: MedGen C0338484, MONDO:0000700.
Inborn genetic diseases. Identifiers: MedGen C0950123, MeSH D030342.

Submissions (3):

Labcorp Genetics (formerly Invitae), Labcorp
Classification: Uncertain significance for Familial hemiplegic migraine. Last evaluated: 2025-09-01. Review status: criteria provided, single submitter. Criteria: Invitae Variant Classification Sherloc (09022015). Collection method: clinical testing. Allele origin: germline.
Comment: This sequence change replaces arginine, which is basic and polar, with glycine, which is neutral and non-polar, at codon 1002 of the ATP1A2 protein (p.Arg1002Gly). This variant is not present in population databases (gnomAD no frequency). This missense change has been observed in individual(s) with clinical features of autosomal dominant familial hemiplegic migraine (internal data). ClinVar contains an entry for this variant (Variation ID: 1798726). Invitae Evidence Modeling of protein sequence and biophysical properties (such as structural, functional, and spatial information, amino acid conservation, physicochemical variation, residue mobility, and thermodynamic stability) indicates that this missense variant is expected to disrupt ATP1A2 protein function with a positive predictive value of 80%. This variant disrupts the p.Arg1002 amino acid residue in ATP1A2. Other variant(s) that disrupt this residue have been determined to be pathogenic (PMID: 17435187, 20720542; internal data). This suggests that this residue is clinically significant, and that variants that disrupt this residue are likely to be disease-causing. In summary, the available evidence is currently insufficient to determine the role of this variant in disease. Therefore, it has been classified as a Variant of Uncertain Significance.

Blueprint Genetics
Classification: Uncertain significance. Last evaluated: 2021-10-04. Review status: criteria provided, single submitter. Criteria: ACMG Guidelines, 2015. Collection method: clinical testing. Allele origin: germline.

Ambry Genetics
Classification: Uncertain significance for Inborn genetic diseases. Last evaluated: 2017-10-27. Review status: criteria provided, single submitter. Criteria: Ambry Variant Classification Scheme 2023. Collection method: clinical testing. Allele origin: germline.
Comment: The p.R1002G variant (also known as c.3004C>G), located in coding exon 22 of the ATP1A2 gene, results from a C to G substitution at nucleotide position 3004. The arginine at codon 1002 is replaced by glycine, an amino acid with dissimilar properties. This amino acid position is highly conserved in available vertebrate species. This missense alteration is located in a region that has a low rate of benign missense variation (Lek M et al. Nature. 2016 Aug 18;536(7616):285-91; DECIPHER: Database of Chromosomal Imbalance and Phenotype in Humans using Ensembl Resources. Firth H.V. et al. 2009. Am.J.Hum.Genet. 84, 524-533 (DOI)). In addition, this alteration is predicted to be deleterious by in silico analysis. Since supporting evidence is limited at this time, the clinical significance of this alteration remains unclear.

Literature cited by the submitters: PubMed 17435187 (cited by Labcorp Genetics (formerly Invitae), Labcorp); PubMed 20720542 (cited by Labcorp Genetics (formerly Invitae), Labcorp).